The following is an entry in ClinVar:

NM_001283009.2(RTEL1):c.482A>G (p.His161Arg)

Genes: RTEL1 (regulator of telomere elongation helicase 1; plus strand), RTEL1-TNFRSF6B (RTEL1-TNFRSF6B readthrough (NMD candidate); plus strand). Cytogenetic location: 20q13.33.
Variant type: single nucleotide variant.
Coding change: c.482A>G on transcript NM_001283009.2 (MANE Select); coding-DNA position 482, A replaced by G.
Protein change: p.His161Arg; replaces histidine 161 with arginine.
Molecular consequence: missense variant. On other transcripts: non-coding transcript variant (1), 5 prime UTR variant (1).
Genome position (GRCh38, 1-based): chr20:63,662,833, A>G. VCF-style: chr20-63662833-A-G. GRCh37 (hg19) VCF-style: chr20-62294186-A-G.
Other names: c.-188A>G (NM_001283010.1); c.482A>G, p.His161Arg (NM_016434.4); c.554A>G, p.His185Arg (NM_032957.5); short protein forms H185R, H161R.
Identifiers: ClinVar variation 3948384 (VCV003948384.1).

ClinVar aggregate classification (germline): Uncertain significance (1 of 4 stars; one submission).

Conditions:
Inborn genetic diseases. Identifiers: MedGen C0950123, MeSH D030342.

Submission:

Ambry Genetics
Classification: Uncertain significance for Inborn genetic diseases. Last evaluated: 2025-05-09. Review status: criteria provided, single submitter. Criteria: Ambry Variant Classification Scheme 2023. Collection method: clinical testing. Allele origin: germline.
Comment: The p.H161R variant (also known as c.482A>G), located in coding exon 5 of the RTEL1 gene, results from an A to G substitution at nucleotide position 482. The histidine at codon 161 is replaced by arginine, an amino acid with highly similar properties. This amino acid position is conserved. In addition, this alteration is predicted to be tolerated by in silico analysis. Based on the available evidence, the clinical significance of this variant remains unclear.